The following is an entry in ClinVar:

NC_000005.9:g.(70900296_70922466)_(70954533_?)del

Gene: MCCC2 (methylcrotonyl-CoA carboxylase subunit 2; plus strand). Cytogenetic location: 5q13.2.
Variant type: Deletion.
Identifiers: ClinVar variation 4536889 (VCV004536889.1).

ClinVar aggregate classification (germline): Pathogenic (1 of 4 stars; one submission).

Conditions:
Methylcrotonyl-CoA carboxylase deficiency. Also called: 3-MCC Deficiency; 3 Methylcrotonylglycinuria; Deficiency of methylcrotonoyl-CoA carboxylase. Identifiers: Orphanet 6, MedGen C4551505, MONDO:0018950.

Submission:

Women's Health and Genetics/Laboratory Corporation of America, LabCorp
Classification: Pathogenic for Methylcrotonyl-CoA carboxylase deficiency. Last evaluated: 2025-11-10. Review status: criteria provided, single submitter. Criteria: LabCorp Variant Classification Summary - May 2015. Collection method: clinical testing. Allele origin: germline.
Comment: Variant summary: The variant involves the deletion of exons 7-17 in the MCCC2 gene. A presumed nomenclature of c.(624+1_625-1)_(*1846_?)del has been designated for the purposes of this classification. The exact breakpoint at the distal 3' end of this variant is unknown, therefore this deletion may extend downstream of the annotated region of the gene. As it encompasses the termination codon, it is predicted to escape nonsense mediated decay (NMD). Loss-of-function variants in this gene are known to be pathogenic. The variant was absent in 21694 control chromosomes. To our knowledge, no occurrence of c.(624+1_625-1)_(*1846_?)del in individuals affected with MCCC2-related conditions and no experimental evidence demonstrating its impact on protein function have been reported. However variants contained within the deleted region have been classified as pathogenic/likely pathogenic by our laboratory, indicating the critical relevance of exons 7-17 to MCCC2 function. ClinVar contains an entry for this variant (Variation ID: 1460280). Based on the evidence outlined above, the variant was classified as pathogenic.